The following is an entry in ClinVar:

NM_001367871.1(FBRSL1):c.774C>T (p.Ala258=)

Gene: FBRSL1 (fibrosin like 1; plus strand). Cytogenetic location: 12q24.33.
Variant type: single nucleotide variant.
Coding change: c.774C>T on transcript NM_001367871.1 (MANE Select); coding-DNA position 774, C replaced by T.
Protein change: p.Ala258=; no amino-acid change (alanine 258 retained).
Molecular consequence: synonymous variant.
Genome position (GRCh38, 1-based): chr12:132,570,008, C>T. VCF-style: chr12-132570008-C-T. GRCh37 (hg19) VCF-style: chr12-133146594-C-T.
Other names: c.774C>T, p.Ala258= (NM_001142641.2, NM_001382739.1, NM_001382740.1).
Identifiers: ClinVar variation 4083870 (VCV004083870.8).
Genomic context (GRCh38, chr12:132,570,008, plus strand): 5'-GGCCAAGGCCGGGCCGGTGCCCAAGGTGTCAGGCCTGGAGCGCAGCCGCGAGCTCAGCGC[C>T]GAGAGCTTCCTGCCCACTGCCAGCCCCGCGCCCCATGCCGCGCCCTGCCCGGGGCCCCCG-3'
Protein context (NP_001354800.1, residues 248-268): SGLERSRELS[Ala258=]ESFLPTASPA

ClinVar aggregate classification (germline): Likely benign (1 of 4 stars; one submission).

gnomAD v4.1: 850 of 1,511,408 alleles (0.056%); highest among the groups gnomAD compares: Middle Eastern, 0.088%; 1 homozygote.

Submission:

CeGaT Center for Human Genetics Tuebingen
Classification: Likely benign. Last evaluated: 2026-09-01. Review status: criteria provided, single submitter. Criteria: CeGaT Center For Human Genetics Tuebingen Variant Classification Criteria Version 2. Collection method: clinical testing. Allele origin: germline. Affected: yes. Observed: 2 variant alleles.
Comment: FBRSL1: BP4, BP7